The following is an entry in ClinVar:

NM_001110556.2(FLNA):c.5157A>G (p.Lys1719=)

Gene: FLNA (filamin A; minus strand). Cytogenetic location: Xq28.
Variant type: single nucleotide variant.
Coding change: c.5157A>G on transcript NM_001110556.2 (MANE Select); coding-DNA position 5157, A replaced by G.
Protein change: p.Lys1719=; no amino-acid change (lysine 1719 retained).
Molecular consequence: synonymous variant.
Genome position (GRCh38, 1-based): chrX:154,354,885, T>C on the plus strand (A>G on the coding strand, the complement: FLNA is on the minus strand). VCF-style: chrX-154354885-T-C. GRCh37 (hg19) VCF-style: chrX-153583253-T-C.
Other names: c.5133A>G, p.Lys1711= (NM_001456.4).
Identifiers: ClinVar variation 1378508 (VCV001378508.6), dbSNP rs2148107420, ClinGen allele CA519707242.

ClinVar aggregate classification (germline): Uncertain significance (1 of 4 stars; one submission).

Conditions:
Heterotopia, periventricular, X-linked dominant (PVNH1). Also called: PERIVENTRICULAR NODULAR HETEROTOPIA 4; HETEROTOPIA, PERIVENTRICULAR, 1; PERIVENTRICULAR NODULAR HETEROTOPIA 1; X-linked periventricular heterotopia. Identifiers: Orphanet 2149, Orphanet 82004, MedGen C1848213, MONDO:0010233, OMIM 300049.
Melnick-Needles syndrome (MNS). Also called: MELNICK-NEEDLES OSTEODYSPLASTY; OSTEODYSPLASTY OF MELNICK AND NEEDLES; Melnick-Needles Syndrome (FLNA-MNS). Identifiers: Orphanet 2484, MedGen C0025237, MONDO:0010650, OMIM 309350.
Frontometaphyseal dysplasia (FMD1). Identifiers: Orphanet 1826, MedGen C0265293, MONDO:0015942.
Oto-palato-digital syndrome, type II (OPD2). Also called: FACIOPALATOOSSEOUS SYNDROME; OPD II SYNDROME; Otopalatodigital Syndrome, Type II; Otopalatodigital Syndrome Type 2 (FLNA-OPD2). Identifiers: Orphanet 669, Orphanet 90652, MedGen C1844696, MONDO:0010571, OMIM 304120.

Submission:

Labcorp Genetics (formerly Invitae), Labcorp
Classification: Uncertain significance for Oto-palato-digital syndrome, type II; Heterotopia, periventricular, X-linked dominant; Frontometaphyseal dysplasia; Melnick-Needles syndrome. Last evaluated: 2021-08-29. Review status: criteria provided, single submitter. Criteria: Invitae Variant Classification Sherloc (09022015). Collection method: clinical testing. Allele origin: germline.
Comment: This sequence change affects codon 1711 of the FLNA mRNA. It is a 'silent' change, meaning that it does not change the encoded amino acid sequence of the FLNA protein. This variant is not present in population databases (ExAC no frequency). This variant has not been reported in the literature in individuals affected with FLNA-related conditions. Algorithms developed to predict the effect of sequence changes on RNA splicing suggest that this variant may create or strengthen a splice site. In summary, the available evidence is currently insufficient to determine the role of this variant in disease. Therefore, it has been classified as a Variant of Uncertain Significance.